The following is an entry in ClinVar:

ClinVar aggregate classification (germline): Pathogenic (1 of 4 stars; one submission).

Conditions:
Hereditary diffuse gastric adenocarcinoma (HDGC). Also called: DIFFUSE GASTRIC AND LOBULAR BREAST CANCER SYNDROME. Identifiers: Orphanet 26106, MedGen C1708349, MONDO:0007648, OMIM 137215.

Submission:

Labcorp Genetics (formerly Invitae), Labcorp
Classification: Pathogenic for Hereditary diffuse gastric adenocarcinoma. Last evaluated: 2021-08-22. Review status: criteria provided, single submitter. Criteria: Invitae Variant Classification Sherloc (09022015). Collection method: clinical testing. Allele origin: germline.
Comment: This variant is a gross deletion of the genomic region encompassing exon(s) 14-15 of the CDH1 gene. While this deletion is not anticipated to lead to nonsense mediated decay, it is expected to disrupt the C-terminus of the protein. A similar copy number variant has been observed in individual(s) with hereditary diffuse gastric cancer syndrome (Invitae). ClinVar contains an entry for this variant (Variation ID: 845399). The region of the CDH1 gene that includes exon(s) 14-16 has been determined to be clinically significant (Invitae). Therefore, deletions that encompass that region are likely to be disease-causing. For these reasons, this variant has been classified as Pathogenic.

NC_000016.9:g.(?_68857534)_(68864665_?)del

Gene: CDH1 (cadherin 1; plus strand). Cytogenetic location: 16q22.1.
Variant type: Deletion.
Identifiers: ClinVar variation 1458398 (VCV001458398.1).